The following is an entry in ClinVar:

ClinVar aggregate classification (germline): Uncertain significance (1 of 4 stars; one submission).

Conditions:
Long QT syndrome (LQTS). Identifiers: MedGen C0023976, MeSH D008133, MONDO:0002442. Disease mechanism: loss of function. Inheritance: Various modes of inheritance.

Submission:

All of Us Research Program, National Institutes of Health
Classification: Uncertain significance for Long QT syndrome. Last evaluated: 2024-08-06. Review status: criteria provided, single submitter. Criteria: ACMG Guidelines, 2015. Collection method: clinical testing. Allele origin: germline. Inheritance: Autosomal dominant inheritance. Observed: 1 variant allele, 1 heterozygote.
Comment: This missense variant replaces aspartic acid with glutamic acid at codon 102 of the KCNH2 protein. Computational prediction is inconclusive regarding the impact of this variant on protein structure and function (internally defined REVEL score threshold 0.5 < inconclusive < 0.7, PMID: 27666373). To our knowledge, functional studies have not been reported for this variant. This variant has not been reported in individuals affected with KCNH2-related disorders in the literature. This variant has not been identified in the general population by the Genome Aggregation Database (gnomAD). The available evidence is insufficient to determine the role of this variant in disease conclusively. Therefore, this variant is classified as a Variant of Uncertain Significance.

This study involves interpretation of variants in research participants for the purpose of population health screening. Participant phenotype was not available at the time of variant classification. Additional details can be found in publication PMID: 35346344, PMCID: PMC8962531

NM_000238.4(KCNH2):c.306T>G (p.Asp102Glu)

Gene: KCNH2 (potassium voltage-gated channel subfamily H member 2; minus strand). Cytogenetic location: 7q36.1.
Variant type: single nucleotide variant.
Coding change: c.306T>G on transcript NM_000238.4 (MANE Select); coding-DNA position 306, T replaced by G.
Protein change: p.Asp102Glu; replaces aspartic acid 102 with glutamic acid.
Molecular consequence: missense variant. On other transcripts: non-coding transcript variant (1).
Genome position (GRCh38, 1-based): chr7:150,974,712, A>C on the plus strand (T>G on the coding strand, the complement: KCNH2 is on the minus strand). VCF-style: chr7-150974712-A-C. GRCh37 (hg19) VCF-style: chr7-150671800-A-C.
Other names: c.129T>G, p.Asp43Glu (NM_001406755.1); c.306T>G, p.Asp102Glu (NM_172056.3); short protein forms D102E, D43E.
Identifiers: ClinVar variation 3386916 (VCV003386916.1).